The following is an entry in ClinVar:

NM_020975.6(RET):c.1042C>T (p.Arg348Trp)

Gene: RET (ret proto-oncogene; plus strand). Cytogenetic location: 10q11.21.
Variant type: single nucleotide variant.
Coding change: c.1042C>T on transcript NM_020975.6 (MANE Select); coding-DNA position 1042, C replaced by T.
Protein change: p.Arg348Trp; replaces arginine 348 with tryptophan.
Molecular consequence: missense variant.
Genome position (GRCh38, 1-based): chr10:43,106,550, C>T. VCF-style: chr10-43106550-C-T. GRCh37 (hg19) VCF-style: chr10-43601998-C-T.
Other names: c.1042C>T, p.Arg348Trp (NM_000323.2, NM_001406743.1, NM_001406744.1 and 6 more transcripts); c.280C>T, p.Arg94Trp (NM_001355216.2); c.913C>T, p.Arg305Trp (NM_001406761.1, NM_001406762.1, NM_001406764.1 and 1 more transcripts); c.754C>T, p.Arg252Trp (NM_001406766.1, NM_001406767.1, NM_001406770.1); short protein forms R348W, R94W, R252W, R305W.
Identifiers: ClinVar variation 1011863 (VCV001011863.14), dbSNP rs1183365192, ClinGen allele CA376546474.
Genomic context (GRCh38, chr10:43,106,550, plus strand): 5'-ACCTTCCGGGTGGAACACTGGCCCAACGAGACCTCGGTCCAGGCCAACGGCAGCTTCGTG[C>T]GGGCGACCGTACATGACTATAGTAAGAGGGGCTGGTGGCACGGCCTGGCTAGGCCCCCAG-3'
Protein context (NP_066124.1, residues 338-358): TSVQANGSFV[Arg348Trp]ATVHDYRLVL

ClinVar aggregate classification (germline): Uncertain significance. Review status: criteria provided, multiple submitters, no conflicts (2 of 4 stars). 4 submissions from 4 submitters: Uncertain significance (4). Last evaluated 2025-07-11.

Conditions:
Hereditary cancer-predisposing syndrome. Also called: Hereditary Cancer Syndrome; Tumor predisposition; Neoplastic Syndromes, Hereditary; Hereditary neoplastic syndrome. Identifiers: Orphanet 140162, MedGen C0027672, MeSH D009386, MONDO:0015356.
Multiple endocrine neoplasia, type 2 (MEN2). Identifiers: Orphanet 653, MedGen C4048306, MONDO:0019003. Disease mechanism: gain of function.

Allele frequency attached by ClinVar (database versions not stated): TOPMed below 0.00001; gnomAD 0.00001.
gnomAD v4.1: 2 of 1,613,424 alleles (0.00012%); highest among the groups gnomAD compares: African/African-American, 0.0013%; no homozygotes.

Submissions (4):

Color Diagnostics, LLC DBA Color Health
Classification: Uncertain significance for Multiple endocrine neoplasia, type 2. Last evaluated: 2025-07-11. Review status: criteria provided, single submitter. Criteria: ACMG Guidelines, 2015. Collection method: clinical testing. Allele origin: germline.
Comment: This missense variant replaces arginine with tryptophan at codon 348 of the RET protein. Computational prediction suggests that this variant may have deleterious impact on protein structure and function. To our knowledge, functional studies have not been reported for this variant. This variant has not been reported in individuals affected with RET-related disorders in the literature. This variant has not been identified in the general population by the Genome Aggregation Database (gnomAD). The available evidence is insufficient to determine the role of this variant in disease conclusively. Therefore, this variant is classified as a Variant of Uncertain Significance.

Labcorp Genetics (formerly Invitae), Labcorp
Classification: Uncertain significance for Multiple endocrine neoplasia, type 2. Last evaluated: 2025-04-23. Review status: criteria provided, single submitter. Criteria: Invitae Variant Classification Sherloc (09022015). Collection method: clinical testing. Allele origin: germline.
Comment: This sequence change replaces arginine, which is basic and polar, with tryptophan, which is neutral and slightly polar, at codon 348 of the RET protein (p.Arg348Trp). This variant is not present in population databases (gnomAD no frequency). This missense change has been observed in individual(s) with Hirschsprung disease (PMID: 21995290). ClinVar contains an entry for this variant (Variation ID: 1011863). An algorithm developed to predict the effect of missense changes on protein structure and function (PolyPhen-2) suggests that this variant is likely to be disruptive. In summary, the available evidence is currently insufficient to determine the role of this variant in disease. Therefore, it has been classified as a Variant of Uncertain Significance.

All of Us Research Program, National Institutes of Health
Classification: Uncertain significance for Multiple endocrine neoplasia, type 2. Last evaluated: 2024-09-23. Review status: criteria provided, single submitter. Criteria: ACMG Guidelines, 2015. Collection method: clinical testing. Allele origin: germline. Inheritance: Autosomal dominant inheritance. Observed: 1 variant allele, 1 heterozygote.
Comment: This study involves interpretation of variants in research participants for the purpose of population health screening. Participant phenotype was not available at the time of variant classification. Additional details can be found in publication PMID: 35346344, PMCID: PMC8962531

Ambry Genetics
Classification: Uncertain significance for Hereditary cancer-predisposing syndrome. Last evaluated: 2023-10-25. Review status: criteria provided, single submitter. Criteria: Ambry Variant Classification Scheme 2023. Collection method: clinical testing. Allele origin: germline.
Comment: The p.R348W variant (also known as c.1042C>T), located in coding exon 5 of the RET gene, results from a C to T substitution at nucleotide position 1042. The arginine at codon 348 is replaced by tryptophan, an amino acid with dissimilar properties. This variant was reported in 1/282 patients with Hirschsprung disease (N&uacute;&ntilde;ez-Torres R et al. BMC Med Genet, 2011 Oct;12:138). This amino acid position is well conserved in available vertebrate species. In addition, this alteration is predicted to be deleterious by in silico analysis. Since supporting evidence is limited at this time, the clinical significance of this alteration remains unclear.

Literature cited by the submitters: PubMed 21995290 (cited by Labcorp Genetics (formerly Invitae), Labcorp and Ambry Genetics).